The following is an entry in ClinVar:

ClinVar aggregate classification (germline): Pathogenic (1 of 4 stars; one submission).

Conditions:
Ehlers-Danlos syndrome due to tenascin-X deficiency (EDSCLL1). Also called: EDS DUE TO TNX DEFICIENCY; TNX DEFICIENCY; Ehlers-Danlos syndrome, classic-like, 1; EHLERS-DANLOS SYNDROME, CLASSIC-LIKE; TNXB-Related Classical-Like Ehlers-Danlos Syndrome. Identifiers: Orphanet 230839, MedGen C1848029, MONDO:0011670, OMIM 606408.

Submission:

Myriad Genetics, Inc.
Classification: Pathogenic for Ehlers-Danlos syndrome due to tenascin-X deficiency. Last evaluated: 2026-05-18. Review status: criteria provided, single submitter. Criteria: Myriad Autosomal Dominant, Autosomal Recessive and X-Linked Classification Criteria (2023). Collection method: clinical testing. Allele origin: unknown.
Comment: NM_019105.6(TNXB):c.918_919delTG(C306Wfs*23) is expected to be pathogenic in the context of classical-like Ehlers-Danlos syndrome, TNXB-related. This variant is predicted to lead to an abnormal or absent protein product due to the creation of a premature termination codon in TNXB, a gene where loss-of-function variants are known to be pathogenic. Please note: this variant was assessed in the context of healthy population screening.

NM_001365276.2(TNXB):c.918_919del (p.Cys306fs)

Gene: TNXB (tenascin XB; minus strand). Cytogenetic location: 6p21.33.
Variant type: Microsatellite.
Coding change: c.918_919del on transcript NM_001365276.2 (MANE Select); coding-DNA positions 918 to 919, 2 bases deleted (TG; older notation c.918_919delTG).
Protein change: p.Cys306fs; shifts the reading frame from cysteine 306.
Molecular consequence: frameshift variant.
Genome position (GRCh38, 1-based): chr6:32,096,934-32,096,935, CA deleted on the plus strand (TG on the coding strand, the reverse complement: TNXB is on the minus strand); deleting any 2 consecutive bases within chr6:32,096,934-32,096,937 gives the same sequence; the c. name uses the placement nearest the transcript's 3' end. VCF-style (leftmost placement, unchanged base first): chr6-32096933-CCA-C. GRCh37 (hg19) VCF-style: chr6-32064710-CCA-C.
Other names: c.918_919del, p.Cys306fs (NM_001428335.1, NM_019105.8); short protein forms C306fs.
Identifiers: ClinVar variation 5015928 (VCV005015928.1).
Genomic context (GRCh38, chr6:32,096,933, plus strand): 5'-ACGCAGCGCCCGTCCTTGCAGCGTCCCCGCTGGCTGCAGCCCCGAGGGCAGCTCCTCACC[CCA>C]CAGTCCTCGCCAGTGTAGCCGGGGTTACACACGCAGCGCCCATTCTCACAGCGCCCCCTC-3'